The following is an entry in ClinVar:

NM_002471.4(MYH6):c.5257G>C (p.Ala1753Pro)

Gene: MYH6 (myosin heavy chain 6; minus strand). Cytogenetic location: 14q11.2.
Variant type: single nucleotide variant.
Coding change: c.5257G>C on transcript NM_002471.4 (MANE Select); coding-DNA position 5257, G replaced by C.
Protein change: p.Ala1753Pro; replaces alanine 1753 with proline.
Molecular consequence: missense variant.
Genome position (GRCh38, 1-based): chr14:23,384,948, C>G on the plus strand (G>C on the coding strand, the complement: MYH6 is on the minus strand). VCF-style: chr14-23384948-C-G. GRCh37 (hg19) VCF-style: chr14-23854157-C-G.
Other names: short protein forms A1753P.
Identifiers: ClinVar variation 520532 (VCV000520532.13), dbSNP rs142437308, ClinGen allele CA7114502.

ClinVar aggregate classification (germline): Uncertain significance. Review status: criteria provided, multiple submitters, no conflicts (2 of 4 stars). 5 submissions from 5 submitters: Uncertain significance (5). Last evaluated 2026-05-12.

Conditions:
Hypertrophic cardiomyopathy 14. Identifiers: MedGen C2750467, MONDO:0013197, OMIM 613251.
MYH6-related disorder. Also called: MYH6-related condition; MYH6-Related Disorders.
Cardiovascular phenotype. Identifiers: MedGen CN230736.
Primary familial hypertrophic cardiomyopathy (HCM). Identifiers: Orphanet 99739, MedGen C0949658, MeSH D024741, MONDO:0024573. Inheritance: Various modes of inheritance.

Allele frequency attached by ClinVar (database versions not stated): ExAC 0.00001; gnomAD exomes 0.00002; gnomAD 0.00005 and 0.00006; TOPMed 0.00005; ESP Exome Variant Server 0.00015.
gnomAD v4.1: 12 of 1,614,106 alleles (0.00074%); highest among the groups gnomAD compares: African/African-American, 0.016%; no homozygotes.

Submissions (5):

PreventionGenetics, part of Exact Sciences
Classification: Uncertain significance for MYH6-related condition. Last evaluated: 2026-05-12. Review status: criteria provided, single submitter. Criteria: ACMG Guidelines, 2015. Collection method: clinical testing. Allele origin: germline.
Comment: The MYH6 c.5257G>C variant is predicted to result in the amino acid substitution p.Ala1753Pro. To our knowledge, this variant has not been reported in the literature. This variant is reported in 0.020% of alleles in individuals of African descent in gnomAD. At this time, the clinical significance of this variant is uncertain due to the absence of conclusive functional and genetic evidence.

Labcorp Genetics (formerly Invitae), Labcorp
Classification: Uncertain significance for Hypertrophic cardiomyopathy 14. Last evaluated: 2025-12-31. Review status: criteria provided, single submitter. Criteria: Invitae Variant Classification Sherloc (09022015). Collection method: clinical testing. Allele origin: germline.
Comment: This sequence change replaces alanine, which is neutral and non-polar, with proline, which is neutral and non-polar, at codon 1753 of the MYH6 protein (p.Ala1753Pro). The frequency data for this variant in the population databases is considered unreliable, as metrics indicate poor data quality at this position in the gnomAD database. This variant has not been reported in the literature in individuals affected with MYH6-related conditions. ClinVar contains an entry for this variant (Variation ID: 520532). Invitae Evidence Modeling of protein sequence and biophysical properties (such as structural, functional, and spatial information, amino acid conservation, physicochemical variation, residue mobility, and thermodynamic stability) indicates that this missense variant is expected to disrupt MYH6 protein function with a positive predictive value of 80%. In summary, the available evidence is currently insufficient to determine the role of this variant in disease. Therefore, it has been classified as a Variant of Uncertain Significance.

GeneDx
Classification: Uncertain significance. Last evaluated: 2025-03-11. Review status: criteria provided, single submitter. Criteria: GeneDx Variant Classification Process June 2021. Collection method: clinical testing. Allele origin: germline. Affected: yes.
Comment: Has not been previously published as pathogenic or benign to our knowledge; Not observed at significant frequency in large population cohorts (gnomAD); In silico analysis supports that this missense variant has a deleterious effect on protein structure/function

Ambry Genetics
Classification: Uncertain significance for Cardiovascular phenotype. Last evaluated: 2024-05-22. Review status: criteria provided, single submitter. Criteria: Ambry Variant Classification Scheme 2023. Collection method: clinical testing. Allele origin: germline.
Comment: The p.A1753P variant (also known as c.5257G>C), located in coding exon 33 of the MYH6 gene, results from a G to C substitution at nucleotide position 5257. The alanine at codon 1753 is replaced by proline, an amino acid with highly similar properties. This amino acid position is conserved. In addition, this alteration is predicted to be deleterious by in silico analysis. Since supporting evidence is limited at this time, the clinical significance of this alteration remains unclear.

Molecular Diagnostic Laboratory for Inherited Cardiovascular Disease, Montreal Heart Institute
Classification: Uncertain significance for Primary familial hypertrophic cardiomyopathy. Last evaluated: 2016-09-30. Review status: criteria provided, single submitter. Criteria: ACMG Guidelines, 2015. Collection method: clinical testing. Allele origin: germline. Affected: yes.